The following is an entry in ClinVar:

NM_033380.3(COL4A5):c.4334G>A (p.Gly1445Asp)

Gene: COL4A5 (collagen type IV alpha 5 chain; plus strand). Cytogenetic location: Xq22.3.
Variant type: single nucleotide variant.
Coding change: c.4334G>A on transcript NM_033380.3 (MANE Select); coding-DNA position 4334, G replaced by A.
Protein change: p.Gly1445Asp; replaces glycine 1445 with aspartic acid.
Molecular consequence: missense variant.
Genome position (GRCh38, 1-based): chrX:108,687,500, G>A. VCF-style: chrX-108687500-G-A. GRCh37 (hg19) VCF-style: chrX-107930730-G-A.
Other names: c.4316G>A, p.Gly1439Asp (NM_000495.5); short protein forms G1439D, G1445D.
Identifiers: ClinVar variation 3254905 (VCV003254905.1), dbSNP rs757894483.

ClinVar aggregate classification (germline): Likely pathogenic (1 of 4 stars; one submission).

Conditions:
X-linked Alport syndrome (ATS1). Also called: COL4A5-Related Nephropathy; NEPHROPATHY AND DEAFNESS, X-LINKED. Identifiers: Orphanet 63, Orphanet 88917, MedGen C4746986, MONDO:0010520, OMIM 301050.

Submission:

Victorian Clinical Genetics Services, Murdoch Childrens Research Institute
Classification: Likely pathogenic for X-linked Alport syndrome. Last evaluated: 2022-07-01. Review status: criteria provided, single submitter. Criteria: ACMG Guidelines, 2015. Collection method: clinical testing. Allele origin: germline. Inheritance: X-linked dominant inheritance. Affected: yes.
Comment: Based on the classification scheme VCGS_Germline_v1.3.4, this variant is classified as Likely pathogenic. Following criteria are met: 0103 - Dominant negative and loss of function are known mechanisms of disease in this gene and are associated with X-linked Alport syndrome 1 (MIM#301050). Dominant negative is caused mostly by glycine substitutions that affect the conformation of the protein, and loss of function can be caused by either protein truncating or missense variants (PMID: 24046192, 12028435). (I). (I) 0110 - This gene is associated with X-linked dominant disease. Males are typically more severely affected than females (PMID: 19965530). (I) 0115 - Variants in this gene are known to have variable expressivity. There is intrafamilial variability among affected carrier females, possibly due to variable X-inactivation (PMID: 14514738). (I) 0200 - Variant is predicted to result in a missense amino acid change from glycine to aspartic acid. (I) 0251 - This variant is heterozygous. (I) 0301 - Variant is absent from gnomAD (both v2 and v3). (SP) 0501 - Missense variant consistently predicted to be damaging by multiple in silico tools or highly conserved with a major amino acid change. (SP) 0601 - Variant is located in the well-established functional collagen domain in the Gly-X-Y motif (DECIPHER). (SP) 0705 - No comparable missense variants have previous evidence for pathogenicity. (I) 0807 - This variant has no previous evidence of pathogenicity. (I) 0905 - No published segregation evidence has been identified for this variant. (I) 1007 - No published functional evidence has been identified for this variant. (I) 1102 - Strong phenotype match for this individual. (SP) 1208 - Inheritance information for this variant is not currently available in this individual. (I) Legend: (SP) - Supporting pathogenic, (I) - Information, (SB) - Supporting benign

Literature cited by the submitters: PubMed 12028435; PubMed 14514738; PubMed 19965530; PubMed 24046192.